The following is an entry in ClinVar:

ClinVar aggregate classification (germline): Uncertain significance (1 of 4 stars; one submission).

Conditions:
Oto-palato-digital syndrome, type II (OPD2). Also called: FACIOPALATOOSSEOUS SYNDROME; OPD II SYNDROME; Otopalatodigital Syndrome, Type II; Otopalatodigital Syndrome Type 2 (FLNA-OPD2). Identifiers: Orphanet 669, Orphanet 90652, MedGen C1844696, MONDO:0010571, OMIM 304120.
Heterotopia, periventricular, X-linked dominant (PVNH1). Also called: PERIVENTRICULAR NODULAR HETEROTOPIA 1; X-linked periventricular heterotopia; PERIVENTRICULAR NODULAR HETEROTOPIA 4; HETEROTOPIA, PERIVENTRICULAR, 1. Identifiers: Orphanet 2149, Orphanet 82004, MedGen C1848213, MONDO:0010233, OMIM 300049.
Frontometaphyseal dysplasia (FMD1). Identifiers: Orphanet 1826, MedGen C0265293, MONDO:0015942.
Melnick-Needles syndrome (MNS). Also called: MELNICK-NEEDLES OSTEODYSPLASTY; OSTEODYSPLASTY OF MELNICK AND NEEDLES; Melnick-Needles Syndrome (FLNA-MNS). Identifiers: Orphanet 2484, MedGen C0025237, MONDO:0010650, OMIM 309350.

Allele frequency attached by ClinVar (database versions not stated): TOPMed below 0.00001; gnomAD 0.00001.
gnomAD v4.1: 1 of 1,209,102 alleles (0.000083%); highest among the groups gnomAD compares: African/African-American, 0.0017%; no homozygotes.

Submission:

Labcorp Genetics (formerly Invitae), Labcorp
Classification: Uncertain significance for Oto-palato-digital syndrome, type II; Heterotopia, periventricular, X-linked dominant; Frontometaphyseal dysplasia; Melnick-Needles syndrome. Last evaluated: 2023-10-25. Review status: criteria provided, single submitter. Criteria: Invitae Variant Classification Sherloc (09022015). Collection method: clinical testing. Allele origin: germline.
Comment: This sequence change replaces aspartic acid, which is acidic and polar, with glutamic acid, which is acidic and polar, at codon 439 of the FLNA protein (p.Asp439Glu). This variant is not present in population databases (gnomAD no frequency). This variant has not been reported in the literature in individuals affected with FLNA-related conditions. Advanced modeling of protein sequence and biophysical properties (such as structural, functional, and spatial information, amino acid conservation, physicochemical variation, residue mobility, and thermodynamic stability) performed at Invitae indicates that this missense variant is not expected to disrupt FLNA protein function with a negative predictive value of 95%. In summary, the available evidence is currently insufficient to determine the role of this variant in disease. Therefore, it has been classified as a Variant of Uncertain Significance.

NM_001110556.2(FLNA):c.1317C>G (p.Asp439Glu)

Gene: FLNA (filamin A; minus strand). Cytogenetic location: Xq28.
Variant type: single nucleotide variant.
Coding change: c.1317C>G on transcript NM_001110556.2 (MANE Select); coding-DNA position 1317, C replaced by G.
Protein change: p.Asp439Glu; replaces aspartic acid 439 with glutamic acid.
Molecular consequence: missense variant.
Genome position (GRCh38, 1-based): chrX:154,366,136, G>C on the plus strand (C>G on the coding strand, the complement: FLNA is on the minus strand). VCF-style: chrX-154366136-G-C. GRCh37 (hg19) VCF-style: chrX-153594504-G-C.
Other names: c.1317C>G, p.Asp439Glu (NM_001456.4); short protein forms D439E.
Identifiers: ClinVar variation 2945471 (VCV002945471.3), dbSNP rs1161164281, ClinGen allele CA415243841.